The following is an entry in ClinVar:

ClinVar aggregate classification (germline): Uncertain significance. Review status: criteria provided, multiple submitters, no conflicts (2 of 4 stars). 2 submissions from 2 submitters: Uncertain significance (2). Last evaluated 2024-03-28.

Conditions:
Multiple gastrointestinal atresias. Also called: FAMILIAL INTESTINAL POLYATRESIA SYNDROME; Multiple intestinal atresia. Identifiers: Orphanet 2300, MedGen C0220744, MONDO:0009465.

Allele frequency attached by ClinVar (database versions not stated): ExAC 0.00001; gnomAD 0.00002 and 0.00003; TOPMed 0.00002.
gnomAD v4.1: 38 of 1,613,860 alleles (0.0024%); highest among the groups gnomAD compares: South Asian, 0.0033%; no homozygotes.

Submissions (2):

Labcorp Genetics (formerly Invitae), Labcorp
Classification: Uncertain significance for Multiple gastrointestinal atresias. Last evaluated: 2024-03-28. Review status: criteria provided, single submitter. Criteria: Invitae Variant Classification Sherloc (09022015). Collection method: clinical testing. Allele origin: germline.
Comment: This sequence change replaces arginine, which is basic and polar, with tryptophan, which is neutral and slightly polar, at codon 325 of the TTC7A protein (p.Arg325Trp). This variant is present in population databases (rs777393270, gnomAD 0.002%). This variant has not been reported in the literature in individuals affected with TTC7A-related conditions. ClinVar contains an entry for this variant (Variation ID: 577135). Advanced modeling of protein sequence and biophysical properties (such as structural, functional, and spatial information, amino acid conservation, physicochemical variation, residue mobility, and thermodynamic stability) performed at Invitae indicates that this missense variant is not expected to disrupt TTC7A protein function with a negative predictive value of 80%. In summary, the available evidence is currently insufficient to determine the role of this variant in disease. Therefore, it has been classified as a Variant of Uncertain Significance.

Blueprint Genetics
Classification: Uncertain significance. Last evaluated: 2024-02-21. Review status: criteria provided, single submitter. Criteria: ACMG Guidelines, 2015. Collection method: clinical testing. Allele origin: germline.

NM_020458.4(TTC7A):c.973C>T (p.Arg325Trp)

Gene: TTC7A (tetratricopeptide repeat domain 7A; plus strand). Cytogenetic location: 2p21.
Variant type: single nucleotide variant.
Coding change: c.973C>T on transcript NM_020458.4 (MANE Select); coding-DNA position 973, C replaced by T.
Protein change: p.Arg325Trp; replaces arginine 325 with tryptophan.
Molecular consequence: missense variant. On other transcripts: intron variant (1).
Genome position (GRCh38, 1-based): chr2:46,994,486, C>T. VCF-style: chr2-46994486-C-T. GRCh37 (hg19) VCF-style: chr2-47221625-C-T.
Other names: c.973C>T, p.Arg325Trp (NM_001288951.2, LRG_1323t1); c.871C>T, p.Arg291Trp (NM_001288953.2); c.-61-650C>T (NM_001288955.2); short protein forms R291W, R325W.
Identifiers: ClinVar variation 577135 (VCV000577135.13), dbSNP rs777393270, ClinGen allele CA1647420.
Genomic context (GRCh38, chr2:46,994,486, plus strand): 5'-TCCCACCCTCTGCCTGAGTTCATGGGCAAGGAGGAGAGTTCTTTCGCCACTCAGGCCCTG[C>T]GGAAACCTCACCTCTATGAAGGAGACAAGTAAGTTCTGCCTGCCCTGCTGCACCTTGCCA-3'
Protein context (NP_065191.2, residues 315-335): EESSFATQAL[Arg325Trp]KPHLYEGDNL